The following is an entry in ClinVar:

NM_182961.4(SYNE1):c.10396C>G (p.Leu3466Val)

Gene: SYNE1 (spectrin repeat containing nuclear envelope protein 1; minus strand). Cytogenetic location: 6q25.2.
Variant type: single nucleotide variant.
Coding change: c.10396C>G on transcript NM_182961.4 (MANE Select); coding-DNA position 10396, C replaced by G.
Protein change: p.Leu3466Val; replaces leucine 3466 with valine.
Molecular consequence: missense variant.
Genome position (GRCh38, 1-based): chr6:152,359,362, G>C on the plus strand (C>G on the coding strand, the complement: SYNE1 is on the minus strand). VCF-style: chr6-152359362-G-C. GRCh37 (hg19) VCF-style: chr6-152680497-G-C.
Other names: c.10417C>G, p.Leu3473Val (NM_033071.5); short protein forms L3466V, L3473V.
Identifiers: ClinVar variation 285937 (VCV000285937.22), dbSNP rs150637898, ClinGen allele CA4056968.

ClinVar aggregate classification (germline): Conflicting classifications of pathogenicity. Review status: criteria provided, conflicting classifications (1 of 4 stars). 8 submissions from 7 submitters: Uncertain significance (5); Benign (1); Likely benign (2). Last evaluated 2025-01-06.

Conditions:
Inborn genetic diseases. Identifiers: MedGen C0950123, MeSH D030342.
Autosomal recessive ataxia, Beauce type. Also called: Spinocerebellar ataxia, autosomal recessive 8; ATAXIA, RECESSIVE, OF BEAUCE; SYNE1 Deficiency; SYNE1-Related Autosomal Recessive Cerebellar Ataxia. Identifiers: Orphanet 88644, MedGen C1853116, MONDO:0012549, OMIM 610743.
Emery-Dreifuss muscular dystrophy 4, autosomal dominant (EDMD4). Also called: EMERY-DREIFUSS MUSCULAR DYSTROPHY 4 WITH VARIABLE FEATURES. Identifiers: Orphanet 261, MedGen C2751807, MONDO:0013071, OMIM 612998.

Allele frequency attached by ClinVar (database versions not stated): ExAC 0.00013; ESP Exome Variant Server 0.00038; TOPMed 0.00044; gnomAD 0.00048 and 0.00055; 1000 Genomes Project 0.00060; 1000 Genomes Project 30x 0.00078; gnomAD exomes 0.00005 and 0.00011.
gnomAD v4.1: 142 of 1,614,160 alleles (0.0088%); highest among the groups gnomAD compares: African/African-American, 0.18%; no homozygotes.

Submissions (8):

Labcorp Genetics (formerly Invitae), Labcorp
Classification: Uncertain significance for Emery-Dreifuss muscular dystrophy 4, autosomal dominant; Autosomal recessive ataxia, Beauce type. Last evaluated: 2025-01-06. Review status: criteria provided, single submitter. Criteria: Invitae Variant Classification Sherloc (09022015). Collection method: clinical testing. Allele origin: germline.
Comment: This sequence change replaces leucine, which is neutral and non-polar, with valine, which is neutral and non-polar, at codon 3473 of the SYNE1 protein (p.Leu3473Val). This variant is present in population databases (rs150637898, gnomAD 0.1%). This variant has not been reported in the literature in individuals affected with SYNE1-related conditions. ClinVar contains an entry for this variant (Variation ID: 285937). An algorithm developed to predict the effect of missense changes on protein structure and function outputs the following: PolyPhen-2: "Benign". The valine amino acid residue is found in multiple mammalian species, which suggests that this missense change does not adversely affect protein function. In summary, the available evidence is currently insufficient to determine the role of this variant in disease. Therefore, it has been classified as a Variant of Uncertain Significance.

Revvity Omics, Revvity
Classification: Likely benign. Last evaluated: 2024-09-22. Review status: criteria provided, single submitter. Criteria: ACMG Guidelines, 2015. Collection method: clinical testing. Allele origin: germline.

GeneDx
Classification: Uncertain significance. Last evaluated: 2022-12-02. Review status: criteria provided, single submitter. Criteria: GeneDx Variant Classification Process June 2021. Collection method: clinical testing. Allele origin: germline. Affected: yes.
Comment: In silico analysis supports that this missense variant does not alter protein structure/function; Has not been previously published as pathogenic or benign germline variant to our knowledge; This variant is associated with the following publications: (PMID: 27460824)

Ambry Genetics
Classification: Uncertain significance for Inborn genetic diseases. Last evaluated: 2021-07-13. Review status: criteria provided, single submitter. Criteria: Ambry Variant Classification Scheme 2023. Collection method: clinical testing. Allele origin: germline.

Athena Diagnostics
Classification: Likely benign. Last evaluated: 2018-10-30. Review status: criteria provided, single submitter. Criteria: Athena Diagnostics Criteria. Collection method: clinical testing. Allele origin: germline.

Illumina Laboratory Services, Illumina
Classification: Benign for Emery-Dreifuss muscular dystrophy 4, autosomal dominant. Last evaluated: 2018-01-13. Review status: criteria provided, single submitter. Criteria: ICSL Variant Classification Criteria 13 December 2019. Collection method: clinical testing. Allele origin: germline.
Comment: This variant was observed in the ICSL laboratory as part of a predisposition screen in an ostensibly healthy population. It had not been previously curated by ICSL or reported in the Human Gene Mutation Database (HGMD: prior to June 1st, 2018), and was therefore a candidate for classification through an automated scoring system. Utilizing variant allele frequency, disease prevalence and penetrance estimates, and inheritance mode, an automated score was calculated to assess if this variant is too frequent to cause the disease. Based on the score and internal cut-off values, a variant classified as benign is not then subjected to further curation. The score for this variant resulted in a classification of benign for this disease.

Illumina Laboratory Services, Illumina
Classification: Uncertain significance for Autosomal recessive ataxia, Beauce type. Last evaluated: 2018-01-13. Review status: criteria provided, single submitter. Criteria: ICSL Variant Classification Criteria 13 December 2019. Collection method: clinical testing. Allele origin: germline.

Eurofins Ntd Llc (ga)
Classification: Uncertain significance. Last evaluated: 2016-02-12. Review status: criteria provided, single submitter. Criteria: EGL Classification Definitions 2015. Collection method: clinical testing. Allele origin: germline. Observed: 4 variant alleles, 4 heterozygotes.